The following is an entry in ClinVar:

NM_001127453.2(GSDME):c.90G>A (p.Lys30=)

Gene: GSDME (gasdermin E; minus strand). Cytogenetic location: 7p15.3.
Variant type: single nucleotide variant.
Coding change: c.90G>A on transcript NM_001127453.2 (MANE Select); coding-DNA position 90, G replaced by A.
Protein change: p.Lys30=; no amino-acid change (lysine 30 retained).
Molecular consequence: synonymous variant. On other transcripts: intron variant (1).
Genome position (GRCh38, 1-based): chr7:24,749,685, C>T on the plus strand (G>A on the coding strand, the complement: GSDME is on the minus strand). VCF-style: chr7-24749685-C-T. GRCh37 (hg19) VCF-style: chr7-24789304-C-T.
Other names: c.90G>A, p.Lys30= (NM_004403.3); c.-281-4931G>A (NM_001127454.2).
Identifiers: ClinVar variation 2414886 (VCV002414886.7), dbSNP rs775350845, ClinGen allele CA4191846.

ClinVar aggregate classification (germline): Uncertain significance (1 of 4 stars; one submission).

Allele frequency attached by ClinVar (database versions not stated): gnomAD exomes below 0.00001; gnomAD 0.00001; ExAC 0.00002.
gnomAD v4.1: 9 of 1,614,002 alleles (0.00056%); highest among the groups gnomAD compares: East Asian, 0.0022%; no homozygotes.

Submission:

Labcorp Genetics (formerly Invitae), Labcorp
Classification: Uncertain significance. Last evaluated: 2022-07-26. Review status: criteria provided, single submitter. Criteria: Invitae Variant Classification Sherloc (09022015). Collection method: clinical testing. Allele origin: germline.
Comment: This sequence change affects codon 30 of the DFNA5 mRNA. It is a 'silent' change, meaning that it does not change the encoded amino acid sequence of the DFNA5 protein. This variant is present in population databases (rs775350845, gnomAD 0.002%). This variant has not been reported in the literature in individuals affected with DFNA5-related conditions. Algorithms developed to predict the effect of sequence changes on RNA splicing suggest that this variant may create or strengthen a splice site. In summary, the available evidence is currently insufficient to determine the role of this variant in disease. Therefore, it has been classified as a Variant of Uncertain Significance.